The following is an entry in ClinVar:

ClinVar aggregate classification (germline): Uncertain significance (1 of 4 stars; one submission).

Submission:

Labcorp Genetics (formerly Invitae), Labcorp
Classification: Uncertain significance. Last evaluated: 2020-08-21. Review status: criteria provided, single submitter. Criteria: Invitae Variant Classification Sherloc (09022015). Collection method: clinical testing. Allele origin: germline.
Comment: In summary, the available evidence is currently insufficient to determine the role of this variant in disease. Therefore, it has been classified as a Variant of Uncertain Significance. Experimental studies and prediction algorithms are not available or were not evaluated, and the functional significance of this variant is currently unknown. This variant has not been reported in the literature in individuals with RGS9-related conditions. This variant is not present in population databases (ExAC no frequency). This variant, c.1669_1671dup, results in the insertion of 1 amino acid(s) to the RGS9 protein (p.Ser557dup), but otherwise preserves the integrity of the reading frame.

NM_003835.4(RGS9):c.1666AGC[3] (p.Ser557dup)

Gene: RGS9 (regulator of G protein signaling 9; plus strand). Cytogenetic location: 17q24.1.
Variant type: Microsatellite.
Coding change: c.1666AGC[3] on transcript NM_003835.4 (MANE Select); three copies in a row of the 3-base unit AGC starting at c.1666; the reference has two copies in a row; one copy, 3 bases duplicated.
Protein change: p.Ser557dup; duplicates serine 557.
Molecular consequence: inframe insertion.
Genome position (GRCh38, 1-based): chr17:65,225,263-65,225,265, AGC duplicated; duplicating any 3 consecutive bases within chr17:65,225,260-65,225,265 gives the same sequence; the position shown is the placement nearest the transcript's 3' end. VCF-style (leftmost placement, unchanged base first): chr17-65225259-G-GAGC. GRCh37 (hg19) VCF-style: chr17-63221377-G-GAGC.
Other names: c.1657AGC[3], p.Ser554dup (NM_001081955.3).
Identifiers: ClinVar variation 1037553 (VCV001037553.7), dbSNP rs1206965501, ClinGen allele CA400673737.
Genomic context (GRCh38, chr17:65,225,259, plus strand): 5'-CTTGGAGCAGAAAGGGGAGTGCAGCGGGTCCATGGCCCCCCGTGGGCCCTCTGTCACCGA[G>GAGC]AGCAGCGAGGCCTCCCTCGACACCTCCTGGCCTCGCAGCCGGCCCAGGGCCCCTCCTAAG-3'